The following is an entry in ClinVar:

ClinVar aggregate classification (germline): Uncertain significance. Review status: criteria provided, multiple submitters, no conflicts (2 of 4 stars). 3 submissions from 3 submitters: Uncertain significance (3). Last evaluated 2026-01-30.

Conditions:
ALPK3-related disorder. Also called: ALPK3-related condition.
Cardiovascular phenotype. Identifiers: MedGen CN230736.

Allele frequency attached by ClinVar (database versions not stated): gnomAD exomes below 0.00001; TOPMed 0.00001.
gnomAD v4.1: 2 of 1,614,170 alleles (0.00012%); highest among the groups gnomAD compares: African/African-American, 0.0013%; no homozygotes.

Submissions (3):

PreventionGenetics, part of Exact Sciences
Classification: Uncertain significance for ALPK3-related condition. Last evaluated: 2026-01-30. Review status: criteria provided, single submitter. Criteria: ACMG Guidelines, 2015. Collection method: clinical testing. Allele origin: germline.
Comment: The ALPK3 c.5502C>A variant is predicted to result in the amino acid substitution p.His1834Gln. To our knowledge, this variant has not been reported in the literature. This variant is reported in 0.0062% of alleles in individuals of African descent in gnomAD. At this time, the clinical significance of this variant is uncertain due to the absence of conclusive functional and genetic evidence.

Labcorp Genetics (formerly Invitae), Labcorp
Classification: Uncertain significance. Last evaluated: 2021-11-05. Review status: criteria provided, single submitter. Criteria: Invitae Variant Classification Sherloc (09022015). Collection method: clinical testing. Allele origin: germline.
Comment: This sequence change replaces histidine, which is basic and polar, with glutamine, which is neutral and polar, at codon 1834 of the ALPK3 protein (p.His1834Gln). In summary, the available evidence is currently insufficient to determine the role of this variant in disease. Therefore, it has been classified as a Variant of Uncertain Significance. Algorithms developed to predict the effect of missense changes on protein structure and function output the following: SIFT: "Tolerated"; PolyPhen-2: "Benign"; Align-GVGD: "Class C0". The glutamine amino acid residue is found in multiple mammalian species, which suggests that this missense change does not adversely affect protein function. This variant has not been reported in the literature in individuals affected with ALPK3-related conditions. This variant is present in population databases (no rsID available, gnomAD 0.007%).

Ambry Genetics
Classification: Uncertain significance for Cardiovascular phenotype. Last evaluated: 2021-06-15. Review status: criteria provided, single submitter. Criteria: Ambry Variant Classification Scheme 2023. Collection method: clinical testing. Allele origin: germline.
Comment: The p.H1834Q variant (also known as c.5502C>A), located in coding exon 14 of the ALPK3 gene, results from a C to A substitution at nucleotide position 5502. The histidine at codon 1834 is replaced by glutamine, an amino acid with highly similar properties. This amino acid position is well conserved in available vertebrate species; however, glutamine is the reference amino acid in other vertebrate species. In addition, this alteration is predicted to be tolerated by in silico analysis. Since supporting evidence is limited at this time, the clinical significance of this alteration remains unclear.

NM_020778.5(ALPK3):c.4896C>A (p.His1632Gln)

Gene: ALPK3 (alpha kinase 3; plus strand). Cytogenetic location: 15q25.3.
Variant type: single nucleotide variant.
Coding change: c.4896C>A on transcript NM_020778.5 (MANE Select); coding-DNA position 4896, C replaced by A.
Protein change: p.His1632Gln; replaces histidine 1632 with glutamine.
Molecular consequence: missense variant.
Genome position (GRCh38, 1-based): chr15:84,868,234, C>A. VCF-style: chr15-84868234-C-A. GRCh37 (hg19) VCF-style: chr15-85411465-C-A.
Other names: short protein forms H1632Q.
Identifiers: ClinVar variation 1424380 (VCV001424380.9), dbSNP rs1387694108, ClinGen allele CA393365799.